The following is an entry in ClinVar:

ClinVar aggregate classification (germline): Uncertain significance (1 of 4 stars; one submission).

Conditions:
Spastic paraplegia. Identifiers: MedGen C0037772, HP:0001258.

Submission:

Labcorp Genetics (formerly Invitae), Labcorp
Classification: Uncertain significance for Spastic paraplegia. Last evaluated: 2023-12-19. Review status: criteria provided, single submitter. Criteria: Invitae Variant Classification Sherloc (09022015). Collection method: clinical testing. Allele origin: germline.
Comment: This sequence change creates a premature translational stop signal (p.Glu2493*) in the ZFYVE26 gene. While this is not anticipated to result in nonsense mediated decay, it is expected to disrupt the last 47 amino acid(s) of the ZFYVE26 protein. This variant is not present in population databases (gnomAD no frequency). This variant has not been reported in the literature in individuals affected with ZFYVE26-related conditions. Algorithms developed to predict the effect of sequence changes on RNA splicing suggest that this variant may disrupt the consensus splice site. In summary, the available evidence is currently insufficient to determine the role of this variant in disease. Therefore, it has been classified as a Variant of Uncertain Significance.

NM_015346.4(ZFYVE26):c.7477G>T (p.Glu2493Ter)

Gene: ZFYVE26 (zinc finger FYVE-type containing 26; minus strand). Cytogenetic location: 14q24.1.
Variant type: single nucleotide variant.
Coding change: c.7477G>T on transcript NM_015346.4 (MANE Select); coding-DNA position 7477, G replaced by T.
Protein change: p.Glu2493Ter; replaces glutamic acid 2493 with a stop codon.
Molecular consequence: nonsense.
Genome position (GRCh38, 1-based): chr14:67,748,579, C>A on the plus strand (G>T on the coding strand, the complement: ZFYVE26 is on the minus strand). VCF-style: chr14-67748579-C-A. GRCh37 (hg19) VCF-style: chr14-68215296-C-A.
Other names: short protein forms E2493*.
Identifiers: ClinVar variation 2704219 (VCV002704219.3), dbSNP rs2503913410, ClinGen allele CA390157332.